The following is an entry in ClinVar:

ClinVar aggregate classification (germline): Uncertain significance. Review status: criteria provided, multiple submitters, no conflicts (2 of 4 stars). 4 submissions from 4 submitters: Uncertain significance (4). Last evaluated 2026-09-01.

Conditions:
Hereditary cancer-predisposing syndrome. Also called: Neoplastic Syndromes, Hereditary; Hereditary neoplastic syndrome; Tumor predisposition; Hereditary Cancer Syndrome. Identifiers: Orphanet 140162, MedGen C0027672, MeSH D009386, MONDO:0015356.

Allele frequency attached by ClinVar (database versions not stated): gnomAD exomes below 0.00001.
gnomAD v4.1: 1 of 1,613,630 alleles (0.000062%); highest among the groups gnomAD compares: Non-Finnish European, 0.000085%; no homozygotes.

Submissions (4):

CeGaT Center for Human Genetics Tuebingen
Classification: Uncertain significance. Last evaluated: 2026-09-01. Review status: criteria provided, single submitter. Criteria: CeGaT Center For Human Genetics Tuebingen Variant Classification Criteria Version 2. Collection method: clinical testing. Allele origin: germline. Affected: yes. Observed: 1 variant allele.
Comment: POLE: PM2, BP4

Ambry Genetics
Classification: Uncertain significance for Hereditary cancer-predisposing syndrome. Last evaluated: 2023-12-02. Review status: criteria provided, single submitter. Criteria: Ambry Variant Classification Scheme 2023. Collection method: clinical testing. Allele origin: germline.
Comment: The p.S1317N variant (also known as c.3950G>A), located in coding exon 31 of the POLE gene, results from a G to A substitution at nucleotide position 3950. The serine at codon 1317 is replaced by asparagine, an amino acid with highly similar properties. This amino acid position is conserved. In addition, this alteration is predicted to be tolerated by in silico analysis. Since supporting evidence is limited at this time, the clinical significance of this alteration remains unclear.

GeneDx
Classification: Uncertain significance. Last evaluated: 2023-06-06. Review status: criteria provided, single submitter. Criteria: GeneDx Variant Classification Process June 2021. Collection method: clinical testing. Allele origin: germline. Affected: yes.
Comment: Not observed at significant frequency in large population cohorts (gnomAD); In silico analysis supports that this missense variant does not alter protein structure/function; Has not been previously published as pathogenic or benign to our knowledge

Labcorp Genetics (formerly Invitae), Labcorp
Classification: Uncertain significance. Last evaluated: 2022-05-10. Review status: criteria provided, single submitter. Criteria: Invitae Variant Classification Sherloc (09022015). Collection method: clinical testing. Allele origin: germline.
Comment: This variant has not been reported in the literature in individuals affected with POLE-related conditions. In summary, the available evidence is currently insufficient to determine the role of this variant in disease. Therefore, it has been classified as a Variant of Uncertain Significance. Algorithms developed to predict the effect of missense changes on protein structure and function are either unavailable or do not agree on the potential impact of this missense change (SIFT: "Deleterious"; PolyPhen-2: "Benign"; Align-GVGD: "Class C0"). This variant is not present in population databases (gnomAD no frequency). This sequence change replaces serine, which is neutral and polar, with asparagine, which is neutral and polar, at codon 1317 of the POLE protein (p.Ser1317Asn).

NM_006231.4(POLE):c.3950G>A (p.Ser1317Asn)

Gene: POLE (DNA polymerase epsilon, catalytic subunit; minus strand). Cytogenetic location: 12q24.33.
Variant type: single nucleotide variant.
Coding change: c.3950G>A on transcript NM_006231.4 (MANE Select); coding-DNA position 3950, G replaced by A.
Protein change: p.Ser1317Asn; replaces serine 1317 with asparagine.
Molecular consequence: missense variant.
Genome position (GRCh38, 1-based): chr12:132,649,361, C>T on the plus strand (G>A on the coding strand, the complement: POLE is on the minus strand). VCF-style: chr12-132649361-C-T. GRCh37 (hg19) VCF-style: chr12-133225947-C-T.
Other names: c.3950G>A (NM_006231.2); short protein forms S1317N.
Identifiers: ClinVar variation 1951243 (VCV001951243.8), dbSNP rs2138606318, ClinGen allele CA387384930.